The following is an entry in ClinVar:

ClinVar aggregate classification (germline): Uncertain significance (1 of 4 stars; one submission).

Submission:

Labcorp Genetics (formerly Invitae), Labcorp
Classification: Uncertain significance. Last evaluated: 2024-07-23. Review status: criteria provided, single submitter. Criteria: Invitae Variant Classification Sherloc (09022015). Collection method: clinical testing. Allele origin: germline.
Comment: This sequence change replaces arginine, which is basic and polar, with tryptophan, which is neutral and slightly polar, at codon 611 of the MCM5 protein (p.Arg611Trp). This variant is not present in population databases (gnomAD no frequency). This variant has not been reported in the literature in individuals affected with MCM5-related conditions. ClinVar contains an entry for this variant (Variation ID: 2008962). An algorithm developed to predict the effect of missense changes on protein structure and function (PolyPhen-2) suggests that this variant is likely to be tolerated. In summary, the available evidence is currently insufficient to determine the role of this variant in disease. Therefore, it has been classified as a Variant of Uncertain Significance.

NM_006739.4(MCM5):c.1831C>T (p.Arg611Trp)

Gene: MCM5 (minichromosome maintenance complex component 5; plus strand). Cytogenetic location: 22q12.3.
Variant type: single nucleotide variant.
Coding change: c.1831C>T on transcript NM_006739.4 (MANE Select); coding-DNA position 1831, C replaced by T.
Protein change: p.Arg611Trp; replaces arginine 611 with tryptophan.
Molecular consequence: missense variant.
Genome position (GRCh38, 1-based): chr22:35,420,011, C>T. VCF-style: chr22-35420011-C-T. GRCh37 (hg19) VCF-style: chr22-35816004-C-T.
Other names: short protein forms R611W.
Identifiers: ClinVar variation 2008962 (VCV002008962.4), dbSNP rs2517906796, ClinGen allele CA411349945.